The following is an entry in ClinVar:

NM_001174096.2(ZEB1):c.504del (p.Gln169fs)

Gene: ZEB1 (zinc finger E-box binding homeobox 1; plus strand). Cytogenetic location: 10p11.22.
Variant type: Deletion.
Coding change: c.504del on transcript NM_001174096.2 (MANE Select); coding-DNA position 504, one base deleted (A; older notation c.504delA).
Protein change: p.Gln169fs; shifts the reading frame from glutamine 169.
Molecular consequence: frameshift variant. On other transcripts: 5 prime UTR variant (30).
Genome position (GRCh38, 1-based): chr10:31,510,692, A deleted. VCF-style (leftmost placement, unchanged base first): chr10-31510691-CA-C. GRCh37 (hg19) VCF-style: chr10-31799619-CA-C.
Other names: c.453del, p.Gln152fs (NM_001128128.3); c.441del, p.Gln148fs (NM_001174093.2); c.450del, p.Gln151fs (NM_001174094.2); c.300del, p.Gln101fs (NM_001174095.2); c.-154del (NM_001323638.2, NM_001323641.2, NM_001323642.2 and 27 more transcripts); c.279del, p.Gln94fs (NM_001323674.2); c.237del, p.Gln80fs (NM_001323675.2); c.462del, p.Gln155fs (NM_001323676.2); and 3 more; short protein forms Q148fs, Q94fs, Q101fs, Q154fs, Q168fs, Q151fs, Q155fs, Q169fs.
Identifiers: ClinVar variation 1032236 (VCV001032236.1), dbSNP rs2069829602, ClinGen allele CA1899879659.

ClinVar aggregate classification (germline): Likely pathogenic (1 of 4 stars; one submission).

Conditions:
Corneal dystrophy, Fuchs endothelial, 6 (FECD6). Identifiers: Orphanet 98974, MedGen C2750448, MONDO:0013206, OMIM 613270.

Submission:

Baylor Genetics
Classification: Likely pathogenic for Corneal dystrophy, Fuchs endothelial, 6. Last evaluated: 2018-10-16. Review status: criteria provided, single submitter. Criteria: ACMG Guidelines, 2015. Collection method: clinical testing. Allele origin: paternal. Affected: yes.
Comment: This variant was determined to be likely pathogenic according to ACMG Guidelines, 2015 [PMID:25741868].